The following is an entry in ClinVar:

NM_004366.6(CLCN2):c.555T>C (p.Phe185=)

Gene: CLCN2 (chloride voltage-gated channel 2; minus strand). Cytogenetic location: 3q27.1.
Variant type: single nucleotide variant.
Coding change: c.555T>C on transcript NM_004366.6 (MANE Select); coding-DNA position 555, T replaced by C.
Protein change: p.Phe185=; no amino-acid change (phenylalanine 185 retained).
Molecular consequence: synonymous variant.
Genome position (GRCh38, 1-based): chr3:184,358,022, A>G on the plus strand (T>C on the coding strand, the complement: CLCN2 is on the minus strand). VCF-style: chr3-184358022-A-G. GRCh37 (hg19) VCF-style: chr3-184075810-A-G.
Other names: p.Phe185=; c.555T>C, p.Phe185= (NM_001171087.3, NM_001171089.3); c.423T>C, p.Phe141= (NM_001171088.3).
Identifiers: ClinVar variation 2041179 (VCV002041179.6), dbSNP rs141410042, ClinGen allele CA2734463.

ClinVar aggregate classification (germline): Likely benign. Review status: criteria provided, multiple submitters, no conflicts (2 of 4 stars). 3 submissions from 3 submitters: Likely benign (3). Last evaluated 2025-08-13.

Allele frequency attached by ClinVar (database versions not stated): gnomAD exomes 0.00001; ExAC 0.00004; ESP Exome Variant Server 0.00008; gnomAD 0.00013; TOPMed 0.00015; 1000 Genomes Project 0.00060; 1000 Genomes Project 30x 0.00062.
gnomAD v4.1: 41 of 1,614,040 alleles (0.0025%); highest among the groups gnomAD compares: African/African-American, 0.044%; no homozygotes.

Submissions (3):

Mayo Clinic Laboratories, Mayo Clinic
Classification: Likely benign. Last evaluated: 2025-08-13. Review status: criteria provided, single submitter. Criteria: ACMG Guidelines, 2015. Collection method: clinical testing. Allele origin: germline. Observed: 1 variant allele.
Comment: BP4, BP7

Labcorp Genetics (formerly Invitae), Labcorp
Classification: Likely benign. Last evaluated: 2025-06-12. Review status: criteria provided, single submitter. Criteria: Invitae Variant Classification Sherloc (09022015). Collection method: clinical testing. Allele origin: germline.

Blueprint Genetics
Classification: Likely benign. Last evaluated: 2024-05-13. Review status: criteria provided, single submitter. Criteria: ACMG Guidelines, 2015. Collection method: clinical testing. Allele origin: germline.